The following is an entry in ClinVar:

NM_017780.4(CHD7):c.7240_7241delinsTT (p.Ala2414Phe)

Gene: CHD7 (chromodomain helicase DNA binding protein 7; plus strand). Cytogenetic location: 8q12.2.
Variant type: Indel.
Coding change: c.7240_7241delinsTT on transcript NM_017780.4 (MANE Select); coding-DNA positions 7240 to 7241, GC replaced by TT.
Protein change: p.Ala2414Phe; replaces alanine 2414 with phenylalanine.
Molecular consequence: missense variant. On other transcripts: intron variant (1).
Genome position (GRCh38, 1-based): chr8:60,856,520-60,856,521, GC replaced by TT. VCF-style: chr8-60856520-GC-TT. GRCh37 (hg19) VCF-style: chr8-61769079-GC-TT.
Other names: c.1717-5709_1717-5708delinsTT (NM_001316690.1); short protein forms A2414F.
Identifiers: ClinVar variation 840509 (VCV000840509.9), dbSNP rs1805719418, ClinGen allele CA916080397.

ClinVar aggregate classification (germline): Uncertain significance. Review status: criteria provided, multiple submitters, no conflicts (2 of 4 stars). 2 submissions from 2 submitters: Uncertain significance (2). Last evaluated 2025-07-23.

Conditions:
CHARGE syndrome (CHARGE). Also called: Hittner Hirsch Kreh syndrome; CHARGE ASSOCIATION--COLOBOMA, HEART ANOMALY, CHOANAL ATRESIA, RETARDATION, GENITAL AND EAR ANOMALIES; Coloboma, heart anomaly, choanal atresia, retardation, genital and ear anomalies; CHARGE association; Hall-Hittner syndrome. Identifiers: Orphanet 138, MedGen C0265354, MONDO:0008965.
Hypogonadotropic hypogonadism 5 with or without anosmia (KAL5). Also called: HYPOGONADOTROPIC HYPOGONADISM 5 WITH ANOSMIA; HYPOGONADOTROPHIC HYPOGONADISM 5 WITHOUT ANOSMIA; CHD7-Related GnRH Deficiency (Kallmann Syndrome 5). Identifiers: Orphanet 478, MedGen C3552553, MONDO:0012880, OMIM 612370. Disease mechanism: loss of function.

Submissions (2):

Labcorp Genetics (formerly Invitae), Labcorp
Classification: Uncertain significance for CHARGE syndrome. Last evaluated: 2025-07-23. Review status: criteria provided, single submitter. Criteria: Invitae Variant Classification Sherloc (09022015). Collection method: clinical testing. Allele origin: germline.
Comment: This sequence change replaces alanine, which is neutral and non-polar, with phenylalanine, which is neutral and non-polar, at codon 2414 of the CHD7 protein (p.Ala2414Phe). This variant is present in population databases (no rsID available, gnomAD 0.002%). This variant has not been reported in the literature in individuals affected with CHD7-related conditions. ClinVar contains an entry for this variant (Variation ID: 840509). An algorithm developed to predict the effect of missense changes on protein structure and function (PolyPhen-2) suggests that this variant is likely to be disruptive. In summary, the available evidence is currently insufficient to determine the role of this variant in disease. Therefore, it has been classified as a Variant of Uncertain Significance.

Fulgent Genetics
Classification: Uncertain significance for CHD7-related CHARGE syndrome; Hypogonadotropic hypogonadism 5 with or without anosmia. Last evaluated: 2024-02-29. Review status: criteria provided, single submitter. Criteria: ACMG Guidelines, 2015. Collection method: clinical testing. Allele origin: germline.